The following is an entry in ClinVar:

ClinVar aggregate classification (germline): Uncertain significance. Review status: criteria provided, multiple submitters, no conflicts (2 of 4 stars). 2 submissions from 2 submitters: Uncertain significance (2). Last evaluated 2024-11-21.

Conditions:
Cockayne syndrome. Identifiers: Orphanet 191, MedGen C0009207, MONDO:0016006.
Fanconi anemia complementation group Q. Identifiers: Orphanet 84, MedGen C3808988, MONDO:0014108, OMIM 615272.
Xeroderma pigmentosum, group F (XPF). Also called: XERODERMA PIGMENTOSUM, COMPLEMENTATION GROUP F; XERODERMA PIGMENTOSUM VI; XP, GROUP F; XERODERMA PIGMENTOSUM, TYPE F; Xeroderma pigmentosum, type 6; ERCC4-Related Xeroderma Pigmentosum. Identifiers: MedGen C0268140, MONDO:0010215, OMIM 278760.

Allele frequency attached by ClinVar (database versions not stated): gnomAD exomes 0.00001 and 0.00003; TOPMed 0.00002; gnomAD 0.00003; ExAC 0.00005.
gnomAD v4.1: 28 of 1,613,466 alleles (0.0017%); highest among the groups gnomAD compares: Non-Finnish European, 0.0019%; no homozygotes.

Submissions (2):

Blueprint Genetics
Classification: Uncertain significance. Last evaluated: 2024-11-21. Review status: criteria provided, single submitter. Criteria: ACMG Guidelines, 2015. Collection method: clinical testing. Allele origin: germline.

Labcorp Genetics (formerly Invitae), Labcorp
Classification: Uncertain significance for Fanconi anemia complementation group Q; Xeroderma pigmentosum, group F; Cockayne syndrome. Last evaluated: 2021-09-20. Review status: criteria provided, single submitter. Criteria: Invitae Variant Classification Sherloc (09022015). Collection method: clinical testing. Allele origin: germline.
Comment: This sequence change replaces aspartic acid with alanine at codon 330 of the ERCC4 protein (p.Asp330Ala). The aspartic acid residue is highly conserved and there is a moderate physicochemical difference between aspartic acid and alanine. In summary, the available evidence is currently insufficient to determine the role of this variant in disease. Therefore, it has been classified as a Variant of Uncertain Significance. Algorithms developed to predict the effect of missense changes on protein structure and function are either unavailable or do not agree on the potential impact of this missense change (SIFT: "Tolerated"; PolyPhen-2: "Probably Damaging"; Align-GVGD: "Class C0"). This variant has not been reported in the literature in individuals affected with ERCC4-related conditions. This variant is present in population databases (rs777183693, ExAC 0.02%).

NM_005236.3(ERCC4):c.989A>C (p.Asp330Ala)

Gene: ERCC4 (ERCC excision repair 4, endonuclease catalytic subunit; plus strand). Cytogenetic location: 16p13.12.
Variant type: single nucleotide variant.
Coding change: c.989A>C on transcript NM_005236.3 (MANE Select); coding-DNA position 989, A replaced by C.
Protein change: p.Asp330Ala; replaces aspartic acid 330 with alanine.
Molecular consequence: missense variant.
Genome position (GRCh38, 1-based): chr16:13,932,172, A>C. VCF-style: chr16-13932172-A-C. GRCh37 (hg19) VCF-style: chr16-14026029-A-C.
Other names: short protein forms D330A.
Identifiers: ClinVar variation 1398105 (VCV001398105.7), dbSNP rs777183693, ClinGen allele CA7910334.